The following is an entry in ClinVar:

NM_004174.4(SLC9A3):c.1174C>T (p.Leu392Phe)

Gene: SLC9A3 (solute carrier family 9 member A3). Cytogenetic location: 5p15.33.
Variant type: single nucleotide variant.
Coding change: c.1174C>T on transcript NM_004174.4 (MANE Select); coding-DNA position 1174, C replaced by T.
Protein change: p.Leu392Phe; replaces leucine 392 with phenylalanine.
Molecular consequence: missense variant.
Genome position (GRCh38, 1-based): chr5:482,730, G>A on the plus strand (C>T on the coding strand, the complement: SLC9A3 is on the minus strand). VCF-style: chr5-482730-G-A. GRCh37 (hg19) VCF-style: chr5-482845-G-A.
Other names: c.1174C>T, p.Leu392Phe (NM_001284351.3); c.1174C>T (NM_004174.2); short protein forms L392F.
Identifiers: ClinVar variation 1974419 (VCV001974419.3), dbSNP rs150519657, ClinGen allele CA3176042.

ClinVar aggregate classification (germline): Uncertain significance. Review status: criteria provided, multiple submitters, no conflicts (2 of 4 stars). 2 submissions from 2 submitters: Uncertain significance (2). Last evaluated 2024-10-08.

Conditions:
Inborn genetic diseases. Identifiers: MedGen C0950123, MeSH D030342.

Allele frequency attached by ClinVar (database versions not stated): gnomAD 0.00001; TOPMed 0.00002; ESP Exome Variant Server 0.00008.

Submissions (2):

Ambry Genetics
Classification: Uncertain significance for Inborn genetic diseases. Last evaluated: 2024-10-08. Review status: criteria provided, single submitter. Criteria: Ambry Variant Classification Scheme 2023. Collection method: clinical testing. Allele origin: germline.

Labcorp Genetics (formerly Invitae), Labcorp
Classification: Uncertain significance. Last evaluated: 2022-05-30. Review status: criteria provided, single submitter. Criteria: Invitae Variant Classification Sherloc (09022015). Collection method: clinical testing. Allele origin: germline.
Comment: This sequence change replaces leucine, which is neutral and non-polar, with phenylalanine, which is neutral and non-polar, at codon 392 of the SLC9A3 protein (p.Leu392Phe). The frequency data for this variant in the population databases is considered unreliable, as metrics indicate poor data quality at this position in the gnomAD database. This variant has not been reported in the literature in individuals affected with SLC9A3-related conditions. Algorithms developed to predict the effect of missense changes on protein structure and function are either unavailable or do not agree on the potential impact of this missense change (SIFT: "Not Available"; PolyPhen-2: "Possibly Damaging"; Align-GVGD: "Not Available"). In summary, the available evidence is currently insufficient to determine the role of this variant in disease. Therefore, it has been classified as a Variant of Uncertain Significance.